The following is an entry in ClinVar:

ClinVar aggregate classification (germline): Uncertain significance. Review status: criteria provided, multiple submitters, no conflicts (2 of 4 stars). 4 submissions from 4 submitters: Uncertain significance (4). Last evaluated 2025-06-06.

Conditions:
Inborn genetic diseases. Identifiers: MedGen C0950123, MeSH D030342.

Allele frequency attached by ClinVar (database versions not stated): gnomAD exomes 0.00002.
gnomAD v4.1: 28 of 1,552,272 alleles (0.0018%); highest among the groups gnomAD compares: Middle Eastern, 0.45%; no homozygotes.

Submissions (4):

Ambry Genetics
Classification: Uncertain significance for Inborn genetic diseases. Last evaluated: 2025-06-06. Review status: criteria provided, single submitter. Criteria: Ambry Variant Classification Scheme 2023. Collection method: clinical testing. Allele origin: germline.

ARUP Laboratories, Molecular Genetics and Genomics, ARUP Laboratories
Classification: Uncertain significance. Last evaluated: 2022-12-22. Review status: criteria provided, single submitter. Criteria: ARUP Molecular Germline Variant Investigation Process 2024. Collection method: clinical testing. Allele origin: germline.
Comment: The HSPG2 c.4184T>C; p.Phe1395Ser variant (rs868076162), to our knowledge, is not reported in the medical literature but is reported in ClinVar (Variation ID: 1256151). This variant is also absent from the Genome Aggregation Database, indicating it is not a common polymorphism. The phenylalanine at codon 1395 is moderately conserved, and computational analyses are uncertain whether this variant is neutral or deleterious (REVEL: 0.581). Due to limited information, the clinical significance of this variant is uncertain at this time.

Revvity Omics, Revvity
Classification: Uncertain significance. Last evaluated: 2022-09-28. Review status: criteria provided, single submitter. Criteria: ACMG Guidelines, 2015. Collection method: clinical testing. Allele origin: germline.

Athena Diagnostics
Classification: Uncertain significance. Last evaluated: 2021-03-25. Review status: criteria provided, single submitter. Criteria: Athena Diagnostics criteria. Collection method: clinical testing. Allele origin: unknown.

NM_005529.7(HSPG2):c.4184T>C (p.Phe1395Ser)

Gene: HSPG2 (heparan sulfate proteoglycan 2; minus strand). Cytogenetic location: 1p36.12.
Variant type: single nucleotide variant.
Coding change: c.4184T>C on transcript NM_005529.7 (MANE Select); coding-DNA position 4184, T replaced by C.
Protein change: p.Phe1395Ser; replaces phenylalanine 1395 with serine.
Molecular consequence: missense variant.
Genome position (GRCh38, 1-based): chr1:21,872,223, A>G on the plus strand (T>C on the coding strand, the complement: HSPG2 is on the minus strand). VCF-style: chr1-21872223-A-G. GRCh37 (hg19) VCF-style: chr1-22198716-A-G.
Other names: c.4184T>C (NM_005529.5); c.4187T>C, p.Phe1396Ser (NM_001291860.2); short protein forms F1395S, F1396S.
Identifiers: ClinVar variation 1256151 (VCV001256151.6), dbSNP rs868076162, ClinGen allele CA19141299.